The following is an entry in ClinVar:

ClinVar aggregate classification (germline): Uncertain significance. Review status: criteria provided, multiple submitters, no conflicts (2 of 4 stars). 2 submissions from 2 submitters: Uncertain significance (2). Last evaluated 2021-12-08.

Conditions:
Primary ciliary dyskinesia. Also called: Ciliary dyskinesia. Identifiers: Orphanet 244, MedGen C0008780, MONDO:0016575, HP:0012265.

Submissions (2):

Labcorp Genetics (formerly Invitae), Labcorp
Classification: Uncertain significance for Primary ciliary dyskinesia. Last evaluated: 2021-12-08. Review status: criteria provided, single submitter. Criteria: Invitae Variant Classification Sherloc (09022015). Collection method: clinical testing. Allele origin: germline.
Comment: Algorithms developed to predict the effect of missense changes on protein structure and function are either unavailable or do not agree on the potential impact of this missense change (SIFT: "Deleterious"; PolyPhen-2: "Possibly Damaging"; Align-GVGD: "Class C15"). ClinVar contains an entry for this variant (Variation ID: 163122). This variant has not been reported in the literature in individuals affected with DNAH11-related conditions. This variant is not present in population databases (gnomAD no frequency). This sequence change replaces tyrosine, which is neutral and polar, with phenylalanine, which is neutral and non-polar, at codon 3729 of the DNAH11 protein (p.Tyr3729Phe). In summary, the available evidence is currently insufficient to determine the role of this variant in disease. Therefore, it has been classified as a Variant of Uncertain Significance.

Laboratory for Molecular Medicine, Mass General Brigham Personalized Medicine
Classification: Uncertain significance. Last evaluated: 2017-07-27. Review status: criteria provided, single submitter. Criteria: LMM Criteria. Collection method: clinical testing. Allele origin: germline. Observed: 2 variant alleles.
Comment: The p.Tyr3729Phe variant in DNAH11 has not been previously reported in individua ls with pulmonary disease or in large population studies. Computational predicti on tools and conservation analysis do not provide strong support for or against an impact to the protein. In summary, the clinical significance of the p.Tyr3729 Phe variant is uncertain.

NM_001277115.2(DNAH11):c.11186A>T (p.Tyr3729Phe)

Gene: DNAH11 (dynein axonemal heavy chain 11; plus strand). Cytogenetic location: 7p15.3.
Variant type: single nucleotide variant.
Coding change: c.11186A>T on transcript NM_001277115.2 (MANE Select); coding-DNA position 11186, A replaced by T.
Protein change: p.Tyr3729Phe; replaces tyrosine 3729 with phenylalanine.
Molecular consequence: missense variant.
Genome position (GRCh38, 1-based): chr7:21,854,439, A>T. VCF-style: chr7-21854439-A-T. GRCh37 (hg19) VCF-style: chr7-21894057-A-T.
Other names: short protein forms Y3729F.
Identifiers: ClinVar variation 163122 (VCV000163122.10), dbSNP rs727502970, ClinGen allele CA175751.